The following is an entry in ClinVar:

ClinVar aggregate classification (germline): Conflicting classifications of pathogenicity. Review status: criteria provided, conflicting classifications (1 of 4 stars). 6 submissions from 6 submitters: Likely pathogenic (3); Uncertain significance (2). 1 of the submissions does not count toward it. Last evaluated 2025-01-06.

Conditions:
ABCC8-related disorder.
Hereditary hyperinsulinism.
Hyperinsulinemic hypoglycemia, familial, 1 (HHF1). Also called: Persistent hyperinsulinemic hypoglycemia of infancy; HYPERINSULINISM, FAMILIAL, WITH PANCREATIC NESIDIOBLASTOSIS; HYPOGLYCEMIA, HYPERINSULINEMIC, OF INFANCY; NESIDIOBLASTOSIS OF PANCREAS; Persistent Hyperinsulinemia Hypoglycemia of Infancy. Identifiers: Orphanet 276575, Orphanet 276598, MedGen C2931832, MONDO:0009734, OMIM 256450.
Type 2 diabetes mellitus. Also called: Type II diabetes mellitus. Identifiers: MedGen C0011860, MeSH D003924, MONDO:0005148, OMIM 125853, HP:0005978.

gnomAD v4.1: 4 of 1,613,398 alleles (0.00025%); highest among the groups gnomAD compares: Admixed American, 0.005%; no homozygotes.

Submissions (6):

Labcorp Genetics (formerly Invitae), Labcorp
Classification: Uncertain significance. Last evaluated: 2025-01-06. Review status: criteria provided, single submitter. Criteria: Invitae Variant Classification Sherloc (09022015). Collection method: clinical testing. Allele origin: germline.
Comment: This sequence change replaces leucine, which is neutral and non-polar, with arginine, which is basic and polar, at codon 1147 of the ABCC8 protein (p.Leu1147Arg). This variant is present in population databases (no rsID available, gnomAD 0.006%). This missense change has been observed in individual(s) with clinical features of ABCC8-related disorders (PMID: 25306193). ClinVar contains an entry for this variant (Variation ID: 2576202). Invitae Evidence Modeling of protein sequence and biophysical properties (such as structural, functional, and spatial information, amino acid conservation, physicochemical variation, residue mobility, and thermodynamic stability) indicates that this missense variant is expected to disrupt ABCC8 protein function with a positive predictive value of 95%. In summary, the available evidence is currently insufficient to determine the role of this variant in disease. Therefore, it has been classified as a Variant of Uncertain Significance.

Natera, Inc.
Classification: Likely pathogenic for Hereditary hyperinsulinism. Last evaluated: 2024-06-02. Review status: criteria provided, single submitter. Criteria: Natera Variant Classification Schema (03/2026). Collection method: clinical testing. Allele origin: germline.
Comment: The c.3440T>G variant in ABCC8 is a missense variant predicted to cause substitution of leucine to arginine at amino acid 1147. This variant is rare in the general population with a frequency below the threshold expected for the associated phenotype(s). This variant has been observed in one or more individuals affected with the associated recessive disease, as either homozygous or compound heterozygous with a second variant (PMID: 25306193, 33184150, 16429405). Computational prediction algorithms indicate this variant is likely to affect gene or protein function. Given the available evidence, this variant is classified as Likely Pathogenic.

GeneDx
Classification: Uncertain significance. Last evaluated: 2024-02-12. Review status: criteria provided, single submitter. Criteria: GeneDx Variant Classification Process June 2021. Collection method: clinical testing. Allele origin: germline. Affected: yes.
Comment: Reported in the heterozygous state in a patient with features of MODY in published literature (PMID: 31595705); In silico analysis supports that this missense variant has a deleterious effect on protein structure/function; This variant is associated with the following publications: (PMID: 37216904, 34014594, 31595705, 25306193, 34631896, 18339976)

Baylor Genetics
Classification: Likely pathogenic for Type 2 diabetes mellitus. Last evaluated: 2023-10-28. Review status: criteria provided, single submitter. Criteria: ACMG Guidelines, 2015. Collection method: clinical testing. Allele origin: unknown.

Broad Center for Mendelian Genomics, Broad Institute of MIT and Harvard
Classification: Likely pathogenic for Hyperinsulinemic hypoglycemia, familial, 1. Last evaluated: 2023-08-16. Review status: criteria provided, single submitter. Criteria: ACMG Guidelines, 2015. Collection method: curation. Allele origin: germline. Inheritance: Autosomal recessive inheritance.
Comment: The p.Leu1147Arg variant in ABCC8 has been reported in at least 2 individuals with hyperinsulinemic hypoglycemia (PMID: 16429405, 18339976, DOI: 10.3266/RevEspEndocrinolPediatr.pre2018.Jun.420), and has been identified in 0.006% (2/34432) of Latino/Admixed American chromosomes by the Genome Aggregation Database (gnomAD; dbSNP rs1262517518). Although this variant has been seen in the general population in a heterozygous state, its frequency is low enough to be consistent with a recessive carrier frequency. Of the at least 2 affected individuals, both were compound heterozygotes that carried reported pathogenic variants in trans, which increases the likelihood that the p.Leu1147Arg variant is pathogenic (Variation ID: 217846, 370163; PMID: 16429405, 18339976, DOI: 10.3266/RevEspEndocrinolPediatr.pre2018.Jun.420). Computational prediction tools and conservation analyses suggest that this variant may impact the protein, though this information is not predictive enough to determine pathogenicity. In summary, although additional studies are required to fully establish its clinical significance, this variant is likely pathogenic for autosomal recessive hyperinsulinemic hypoglycemia. ACMG/AMP Criteria applied: PM3_strong, PP3, PM2_supporting (Richards 2015).

PreventionGenetics, part of Exact Sciences
Classification: Uncertain significance for ABCC8-related condition. Last evaluated: 2024-09-27. Review status: no assertion criteria provided. Collection method: clinical testing. Allele origin: germline. Not counted in ClinVar's aggregate classification.
Comment: The ABCC8 c.3440T>G variant is predicted to result in the amino acid substitution p.Leu1147Arg. This variant (also described as c.3443T>G, p.Leu1148Arg in NM_001287174) has been reported in the heterozygous and compound heterozygous states in multiple individuals with hyperinsulinemic hypoglycemia (Gussinyer et al. 2008. PubMed ID: 18339976; Snider et al. 2013. PubMed ID: 23275527; Alkorta-Aranburu et al. 2014. PubMed ID: 25306193; Arango et al. 2018. DOI:10.3266/RevEspEndocrinolPediatr.pre2018.Jun.420). This variant is reported in 0.0058% of alleles in individuals of Latino descent in gnomAD. Although we suspect that this variant may be pathogenic, the clinical significance of this variant is uncertain at this time due to the absence of conclusive functional and genetic evidence.

Literature cited by the submitters: PubMed 25306193 (cited by Labcorp Genetics (formerly Invitae), Labcorp and Natera, Inc.); PubMed 33184150 (cited by Natera, Inc.); PubMed 16429405 (cited by Natera, Inc.).

NM_000352.6(ABCC8):c.3440T>G (p.Leu1147Arg)

Gene: ABCC8 (ATP binding cassette subfamily C member 8; minus strand). Cytogenetic location: 11p15.1.
Variant type: single nucleotide variant.
Coding change: c.3440T>G on transcript NM_000352.6 (MANE Select); coding-DNA position 3440, T replaced by G.
Protein change: p.Leu1147Arg; replaces leucine 1147 with arginine.
Molecular consequence: missense variant. On other transcripts: non-coding transcript variant (1).
Genome position (GRCh38, 1-based): chr11:17,404,629, A>C on the plus strand (T>G on the coding strand, the complement: ABCC8 is on the minus strand). VCF-style: chr11-17404629-A-C. GRCh37 (hg19) VCF-style: chr11-17426176-A-C.
Other names: NM_001287174.3:c.3443T>G; c.3443T>G, p.Leu1148Arg (NM_001287174.3); c.3506T>G, p.Leu1169Arg (NM_001351295.2); c.3440T>G, p.Leu1147Arg (NM_001351296.2); c.3437T>G, p.Leu1146Arg (NM_001351297.2); c.3440T>G (NM_000352.3, NM_000352.4); short protein forms L1146R, L1147R, L1148R, L1169R.
Identifiers: ClinVar variation 2576202 (VCV002576202.6), dbSNP rs1262517518, ClinGen allele CA379798436.